The following is an entry in ClinVar:

ClinVar aggregate classification (germline): Likely benign. Review status: criteria provided, multiple submitters, no conflicts (2 of 4 stars). 4 submissions from 4 submitters: Likely benign (4). Last evaluated 2025-12-22.

Conditions:
Hereditary cancer-predisposing syndrome. Also called: Neoplastic Syndromes, Hereditary; Hereditary neoplastic syndrome; Tumor predisposition; Hereditary Cancer Syndrome. Identifiers: Orphanet 140162, MedGen C0027672, MeSH D009386, MONDO:0015356.

Allele frequency attached by ClinVar (database versions not stated): gnomAD 0.00001; gnomAD exomes 0.00001 and 0.00002; TOPMed 0.00001; ExAC 0.00002; ESP Exome Variant Server 0.00015.
gnomAD v4.1: 22 of 1,613,838 alleles (0.0014%); highest among the groups gnomAD compares: East Asian, 0.0045%; no homozygotes.

Submissions (4):

Labcorp Genetics (formerly Invitae), Labcorp
Classification: Likely benign. Last evaluated: 2025-12-22. Review status: criteria provided, single submitter. Criteria: Invitae Variant Classification Sherloc (09022015). Collection method: clinical testing. Allele origin: germline.

CeGaT Center for Human Genetics Tuebingen
Classification: Likely benign. Last evaluated: 2023-09-01. Review status: criteria provided, single submitter. Criteria: CeGaT Center For Human Genetics Tuebingen Variant Classification Criteria Version 2. Collection method: clinical testing. Allele origin: germline. Affected: yes. Observed: 1 variant allele.
Comment: POLE: BP4, BP7

GeneDx
Classification: Likely benign. Last evaluated: 2020-12-23. Review status: criteria provided, single submitter. Criteria: GeneDx Variant Classification Process June 2021. Collection method: clinical testing. Allele origin: germline. Affected: yes.

Ambry Genetics
Classification: Likely benign for Hereditary cancer-predisposing syndrome. Last evaluated: 2015-07-07. Review status: criteria provided, single submitter. Criteria: Ambry Variant Classification Scheme 2023. Collection method: clinical testing. Allele origin: germline.

NM_006231.4(POLE):c.2409G>A (p.Ser803=)

Gene: POLE (DNA polymerase epsilon, catalytic subunit; minus strand). Cytogenetic location: 12q24.33.
Variant type: single nucleotide variant.
Coding change: c.2409G>A on transcript NM_006231.4 (MANE Select); coding-DNA position 2409, G replaced by A.
Protein change: p.Ser803=; no amino-acid change (serine 803 retained).
Molecular consequence: synonymous variant.
Genome position (GRCh38, 1-based): chr12:132,665,361, C>T on the plus strand (G>A on the coding strand, the complement: POLE is on the minus strand). VCF-style: chr12-132665361-C-T. GRCh37 (hg19) VCF-style: chr12-133241947-C-T.
Identifiers: ClinVar variation 385529 (VCV000385529.41), dbSNP rs369150359, ClinGen allele CA6893567.
Genomic context (GRCh38, chr12:132,665,361, plus strand): 5'-CCCCTTGCGCATGACATAGCCATAGAAGGAGTTCAGGATGCACTTGTGGGCCAGCTGCAG[C>T]GAGTCATACAGCACCTCCATGTTCTTGCAGCGCTTCACCTCAGCCGCGTCGCCCACCTCC-3'
Protein context (NP_006222.2, residues 793-813): RCKNMEVLYD[Ser803=]LQLAHKCILN